The following is an entry in ClinVar:

ClinVar aggregate classification (germline): Uncertain significance (1 of 4 stars; one submission).

Conditions:
Pitt-Hopkins-like syndrome 2 (PTHSL2). Identifiers: Orphanet 221150, Orphanet 600663, MedGen C3280479, MONDO:0013690, OMIM 614325.

Allele frequency attached by ClinVar (database versions not stated): gnomAD exomes below 0.00001.
gnomAD v4.1: 5 of 1,613,564 alleles (0.00031%); highest among the groups gnomAD compares: Non-Finnish European, 0.00042%; no homozygotes.

Submission:

Labcorp Genetics (formerly Invitae), Labcorp
Classification: Uncertain significance for Pitt-Hopkins-like syndrome 2. Last evaluated: 2021-04-16. Review status: criteria provided, single submitter. Criteria: Invitae Variant Classification Sherloc (09022015). Collection method: clinical testing. Allele origin: germline.
Comment: This variant has not been reported in the literature in individuals with NRXN1-related conditions. In summary, the available evidence is currently insufficient to determine the role of this variant in disease. Therefore, it has been classified as a Variant of Uncertain Significance. Algorithms developed to predict the effect of missense changes on protein structure and function (SIFT, PolyPhen-2, Align-GVGD) all suggest that this variant is likely to be disruptive, but these predictions have not been confirmed by published functional studies and their clinical significance is uncertain. This variant is not present in population databases (ExAC no frequency). This sequence change replaces aspartic acid with glycine at codon 805 of the NRXN1 protein (p.Asp805Gly). The aspartic acid residue is highly conserved and there is a moderate physicochemical difference between aspartic acid and glycine.

NM_001330078.2(NRXN1):c.2294A>G (p.Asp765Gly)

Gene: NRXN1 (neurexin 1; minus strand). Cytogenetic location: 2p16.3.
Variant type: single nucleotide variant.
Coding change: c.2294A>G on transcript NM_001330078.2 (MANE Select); coding-DNA position 2294, A replaced by G.
Protein change: p.Asp765Gly; replaces aspartic acid 765 with glycine.
Molecular consequence: missense variant.
Genome position (GRCh38, 1-based): chr2:50,531,280, T>C on the plus strand (A>G on the coding strand, the complement: NRXN1 is on the minus strand). VCF-style: chr2-50531280-T-C. GRCh37 (hg19) VCF-style: chr2-50758418-T-C.
Other names: c.2414A>G, p.Asp805Gly (NM_001135659.3); c.2270A>G, p.Asp757Gly (NM_001330077.2, NM_001330082.2, NM_001330095.2); c.2255A>G, p.Asp752Gly (NM_001330083.2, NM_001330084.2); c.2294A>G, p.Asp765Gly (NM_001330085.2, NM_001330086.2, NM_004801.6); c.2210A>G, p.Asp737Gly (NM_001330087.2, NM_001330096.2); c.2240A>G, p.Asp747Gly (NM_001330088.2); c.2291A>G, p.Asp764Gly (NM_001330093.2); c.2282A>G, p.Asp761Gly (NM_001330094.2); short protein forms D747G, D761G, D752G, D757G, D737G, D764G, D765G, D805G.
Identifiers: ClinVar variation 1345834 (VCV001345834.8), dbSNP rs2105207087, ClinGen allele CA346769506.